The following is an entry in ClinVar:

NC_000002.11:g.(?_179405446)_(179408110_?)del

Gene: TTN (titin; minus strand). Cytogenetic location: 2q31.2.
Variant type: Deletion.
Identifiers: ClinVar variation 2424048 (VCV002424048.3).

ClinVar aggregate classification (germline): Likely pathogenic (1 of 4 stars; one submission).

Conditions:
Dilated cardiomyopathy 1G (CMD1G). Identifiers: Orphanet 154, MedGen C1858763, MONDO:0011400, OMIM 604145.
Autosomal recessive limb-girdle muscular dystrophy type 2J (LGMDR10). Also called: MUSCULAR DYSTROPHY, LIMB-GIRDLE, AUTOSOMAL RECESSIVE 10; Limb-girdle muscular dystrophy, type 2J. Identifiers: Orphanet 140922, MedGen C1837342, MONDO:0012127, OMIM 608807.

Submission:

Labcorp Genetics (formerly Invitae), Labcorp
Classification: Likely pathogenic for Dilated cardiomyopathy 1G; Autosomal recessive limb-girdle muscular dystrophy type 2J. Last evaluated: 2022-09-20. Review status: criteria provided, single submitter. Criteria: Invitae Variant Classification Sherloc (09022015). Collection method: clinical testing. Allele origin: germline.
Comment: In summary, the currently available evidence indicates that the variant is pathogenic, but additional data are needed to prove that conclusively. Therefore, this variant has been classified as Likely Pathogenic. This variant is located in the A band of TTN (PMID: 25589632). Truncating variants in this region are significantly overrepresented in patients affected with dilated cardiomyopathy (PMID: 25589632). Truncating variants in this region have also been reported in individuals affected with autosomal recessive centronuclear myopathy (PMID: 23975875). This variant has not been reported in the literature in individuals affected with TTN-related conditions. This variant results in the deletion of exons 348-350 and part of exon 347 (c.96590_97796-349del) of the TTN gene. It is expected to disrupt RNA splicing and likely results in a truncated or disrupted TTN protein.

Literature cited by the submitters: PubMed 25589632; PubMed 23975875.